The following is an entry in ClinVar:

ClinVar aggregate classification (germline): Uncertain significance (1 of 4 stars; one submission).

Allele frequency attached by ClinVar (database versions not stated): TOPMed 0.00001.
gnomAD v4.1: 6 of 1,613,904 alleles (0.00037%); highest among the groups gnomAD compares: Non-Finnish European, 0.00051%; no homozygotes.

Submission:

Labcorp Genetics (formerly Invitae), Labcorp
Classification: Uncertain significance. Last evaluated: 2022-04-24. Review status: criteria provided, single submitter. Criteria: Invitae Variant Classification Sherloc (09022015). Collection method: clinical testing. Allele origin: germline.
Comment: This sequence change replaces glycine, which is neutral and non-polar, with cysteine, which is neutral and slightly polar, at codon 591 of the LCA5 protein (p.Gly591Cys). This variant is present in population databases (no rsID available, gnomAD 0.0009%). This variant has not been reported in the literature in individuals affected with LCA5-related conditions. Algorithms developed to predict the effect of missense changes on protein structure and function are either unavailable or do not agree on the potential impact of this missense change (SIFT: "Deleterious"; PolyPhen-2: "Possibly Damaging"; Align-GVGD: "Class C0"). In summary, the available evidence is currently insufficient to determine the role of this variant in disease. Therefore, it has been classified as a Variant of Uncertain Significance.

NM_001122769.3(LCA5):c.1771G>T (p.Gly591Cys)

Gene: LCA5 (lebercilin LCA5; minus strand). Cytogenetic location: 6q14.1.
Variant type: single nucleotide variant.
Coding change: c.1771G>T on transcript NM_001122769.3 (MANE Select); coding-DNA position 1771, G replaced by T.
Protein change: p.Gly591Cys; replaces glycine 591 with cysteine.
Molecular consequence: missense variant.
Genome position (GRCh38, 1-based): chr6:79,487,327, C>A on the plus strand (G>T on the coding strand, the complement: LCA5 is on the minus strand). VCF-style: chr6-79487327-C-A. GRCh37 (hg19) VCF-style: chr6-80197044-C-A.
Other names: c.1771G>T, p.Gly591Cys (NM_181714.4); short protein forms G591C.
Identifiers: ClinVar variation 2175311 (VCV002175311.1), dbSNP rs748925713, ClinGen allele CA364638557.